The following is an entry in ClinVar:

NM_001905.4(CTPS1):c.438+1G>A

Gene: CTPS1 (CTP synthase 1; plus strand). Cytogenetic location: 1p34.2.
Variant type: single nucleotide variant.
Coding change: c.438+1G>A on transcript NM_001905.4 (MANE Select); the canonical splice donor site of the intron after coding-DNA position 438, G replaced by A.
Molecular consequence: splice donor variant.
Genome position (GRCh38, 1-based): chr1:40,987,473, G>A. VCF-style: chr1-40987473-G-A. GRCh37 (hg19) VCF-style: chr1-41453145-G-A.
Identifiers: ClinVar variation 1480864 (VCV001480864.8), dbSNP rs2148392127, ClinGen allele CA339902013.

ClinVar aggregate classification (germline): Uncertain significance (1 of 4 stars; one submission).

Conditions:
Combined immunodeficiency due to CTPS1 deficiency. Also called: Severe combined immunodeficiency due to CTPS1 deficiency; Immunodeficiency 24. Identifiers: Orphanet 420573, MedGen C4014617, MONDO:0014391, OMIM 615897.

gnomAD v4.1: 1 of 1,600,318 alleles (0.000062%); highest among the groups gnomAD compares: Admixed American, 0.0017%; no homozygotes.

Submission:

Labcorp Genetics (formerly Invitae), Labcorp
Classification: Uncertain significance for Combined immunodeficiency due to CTPS1 deficiency. Last evaluated: 2022-10-17. Review status: criteria provided, single submitter. Criteria: Invitae Variant Classification Sherloc (09022015). Collection method: clinical testing. Allele origin: germline.
Comment: In summary, the available evidence is currently insufficient to determine the role of this variant in disease. Therefore, it has been classified as a Variant of Uncertain Significance. Algorithms developed to predict the effect of sequence changes on RNA splicing suggest that this variant may disrupt the consensus splice site. ClinVar contains an entry for this variant (Variation ID: 1480864). This variant has not been reported in the literature in individuals affected with CTPS1-related conditions. This variant is not present in population databases (gnomAD no frequency). This sequence change affects a donor splice site in intron 4 of the CTPS1 gene. It is expected to disrupt RNA splicing. Variants that disrupt the donor or acceptor splice site typically lead to a loss of protein function (PMID: 16199547), however the current clinical and genetic evidence is not sufficient to establish whether loss-of-function variants in CTPS1 cause disease.

Literature cited by the submitters: PubMed 16199547.